The following is an entry in ClinVar:

NM_000094.4(COL7A1):c.7295G>A (p.Arg2432Lys)

Gene: COL7A1 (collagen type VII alpha 1 chain; minus strand). Cytogenetic location: 3p21.31.
Variant type: single nucleotide variant.
Coding change: c.7295G>A on transcript NM_000094.4 (MANE Select); coding-DNA position 7295, G replaced by A.
Protein change: p.Arg2432Lys; replaces arginine 2432 with lysine.
Molecular consequence: missense variant.
Genome position (GRCh38, 1-based): chr3:48,570,688, C>T on the plus strand (G>A on the coding strand, the complement: COL7A1 is on the minus strand). VCF-style: chr3-48570688-C-T. GRCh37 (hg19) VCF-style: chr3-48608121-C-T.
Other names: short protein forms R2432K.
Identifiers: ClinVar variation 1990946 (VCV001990946.1), dbSNP rs780361189, ClinGen allele CA2378569.
Genomic context (GRCh38, chr3:48,570,688, plus strand): 5'-CCTCTACTCACCACTGACCCCGGTGGTCCAGGTGGCCCCAGGGGTCCTGGGATTCCTTCT[C>T]TCCCTGGGGGGCCTGCCAGACCCTACCAGAAAAATGGGGCAAGAGAGGCAGAGAGTGACT-3'
Protein context (NP_000085.1, residues 2422-2442): GERGLAGPPG[Arg2432Lys]EGIPGPLGPP

ClinVar aggregate classification (germline): Uncertain significance (1 of 4 stars; one submission).

Allele frequency attached by ClinVar (database versions not stated): gnomAD exomes below 0.00001; ExAC 0.00004.
gnomAD v4.1: 1 of 1,584,588 alleles (0.000063%); highest among the groups gnomAD compares: East Asian, 0.0023%; no homozygotes.

Submission:

Labcorp Genetics (formerly Invitae), Labcorp
Classification: Uncertain significance. Last evaluated: 2020-09-10. Review status: criteria provided, single submitter. Criteria: Invitae Variant Classification Sherloc (09022015). Collection method: clinical testing. Allele origin: germline.
Comment: This sequence change replaces arginine with lysine at codon 2432 of the COL7A1 protein (p.Arg2432Lys). The arginine residue is moderately conserved and there is a small physicochemical difference between arginine and lysine. This variant is present in population databases (rs780361189, ExAC 0.06%). This variant has not been reported in the literature in individuals with COL7A1-related conditions. Advanced modeling of protein sequence and biophysical properties (such as structural, functional, and spatial information, amino acid conservation, physicochemical variation, residue mobility, and thermodynamic stability) performed at Invitae indicates that this missense variant is expected to disrupt COL7A1 protein function. In summary, the available evidence is currently insufficient to determine the role of this variant in disease. Therefore, it has been classified as a Variant of Uncertain Significance.